The following is an entry in ClinVar:

ClinVar aggregate classification (germline): Likely benign (0 of 4 stars; one submission).

Conditions:
ZNHIT3-related disorder. Also called: ZNHIT3-related condition.

Submission:

PreventionGenetics, part of Exact Sciences
Classification: Likely benign for ZNHIT3-related condition. Last evaluated: 2020-09-25. Review status: no assertion criteria provided. Collection method: clinical testing. Allele origin: germline.
Comment: This variant is classified as likely benign based on ACMG/AMP sequence variant interpretation guidelines (Richards et al. 2015 PMID: 25741868, with internal and published modifications).

NM_001281432.2(ZNHIT3):c.287-5_287-3dup

Genes: MYO19 (myosin XIX; minus strand), ZNHIT3 (zinc finger HIT-type containing 3; plus strand). Cytogenetic location: 17q12.
Variant type: Duplication.
Coding change: c.287-5_287-3dup on transcript NM_001281432.2; 5 bases into the intron before coding-DNA position 287 through 3 bases into the intron before coding-DNA position 287, 3 bases duplicated (TTT; older notation c.287-5_287-3dupTTT).
Molecular consequence: intron variant.
Genome position (GRCh38, 1-based): chr17:36,497,601-36,497,603, TTT duplicated; duplicating any 3 consecutive bases within chr17:36,497,590-36,497,603 gives the same sequence; the c. name uses the placement nearest the transcript's 3' end. VCF-style (leftmost placement, unchanged base first): chr17-36497589-C-CTTT. GRCh37 (hg19) VCF-style: chr17-34853433-C-CTTT.
Other names: c.2157+674_2157+676dup (NM_025109.6); c.2757+674_2757+676dup (NM_001163735.2).
Identifiers: ClinVar variation 3036460 (VCV003036460.2), dbSNP rs746721426, ClinGen allele CA983332816.
Genomic context (GRCh38, chr17:36,497,589, plus strand): 5'-GCTATGTCTCGTGAATTTTTCCTCTTTTCTGTAATTGACCTATTATTACCCTAAACCAAA[C>CTTT]TTTTTTTTTTTTTTAGATGGACTCTCGTCCTGTCACCCAGGCTGGAGTGCAGCGGCGCAA-3'